The following is an entry in ClinVar:

NM_001377.3(DYNC2H1):c.10844C>T (p.Pro3615Leu)

Gene: DYNC2H1 (dynein cytoplasmic 2 heavy chain 1; plus strand). Cytogenetic location: 11q22.3.
Variant type: single nucleotide variant.
Coding change: c.10844C>T on transcript NM_001377.3 (MANE Select); coding-DNA position 10844, C replaced by T.
Protein change: p.Pro3615Leu; replaces proline 3615 with leucine.
Molecular consequence: missense variant.
Genome position (GRCh38, 1-based): chr11:103,283,039, C>T. VCF-style: chr11-103283039-C-T. GRCh37 (hg19) VCF-style: chr11-103153768-C-T.
Other names: c.10865C>T, p.Pro3622Leu (NM_001080463.2); short protein forms P3615L, P3622L.
Identifiers: ClinVar variation 1403572 (VCV001403572.5), dbSNP rs1468117934, ClinGen allele CA382256797.

ClinVar aggregate classification (germline): Uncertain significance. Review status: criteria provided, multiple submitters, no conflicts (2 of 4 stars). 3 submissions from 3 submitters: Uncertain significance (3). Last evaluated 2025-02-22.

Conditions:
Inborn genetic diseases. Identifiers: MedGen C0950123, MeSH D030342.
Jeune thoracic dystrophy. Also called: Short-rib thoracic dysplasia; Jeune syndrome; Infantile thoracic dystrophy; Thoracic pelvic phalangeal dystrophy; Jeune's syndrome; Chondroectodermal dysplasia-like syndrome. Identifiers: Orphanet 474, MedGen C0265275, MONDO:0018770.

Allele frequency attached by ClinVar (database versions not stated): gnomAD exomes 0.00001; TOPMed 0.00002.
gnomAD v4.1: 15 of 1,602,712 alleles (0.00094%); highest among the groups gnomAD compares: East Asian, 0.0022%; no homozygotes.

Submissions (3):

Ambry Genetics
Classification: Uncertain significance for Inborn genetic diseases. Last evaluated: 2025-02-22. Review status: criteria provided, single submitter. Criteria: Ambry Variant Classification Scheme 2023. Collection method: clinical testing. Allele origin: germline.

GeneDx
Classification: Uncertain significance. Last evaluated: 2022-12-22. Review status: criteria provided, single submitter. Criteria: GeneDx Variant Classification Process June 2021. Collection method: clinical testing. Allele origin: germline. Affected: yes.
Comment: Not observed at significant frequency in large population cohorts (gnomAD); In silico analysis supports that this missense variant has a deleterious effect on protein structure/function; Has not been previously published as pathogenic or benign to our knowledge

Labcorp Genetics (formerly Invitae), Labcorp
Classification: Uncertain significance for Jeune thoracic dystrophy. Last evaluated: 2021-11-08. Review status: criteria provided, single submitter. Criteria: Invitae Variant Classification Sherloc (09022015). Collection method: clinical testing. Allele origin: germline.
Comment: This sequence change replaces proline, which is neutral and non-polar, with leucine, which is neutral and non-polar, at codon 3622 of the DYNC2H1 protein (p.Pro3622Leu). The frequency data for this variant in the population databases is considered unreliable, as metrics indicate poor data quality at this position in the gnomAD database. This variant has not been reported in the literature in individuals affected with DYNC2H1-related conditions. Algorithms developed to predict the effect of missense changes on protein structure and function are either unavailable or do not agree on the potential impact of this missense change (SIFT: "Tolerated"; PolyPhen-2: "Probably Damaging"; Align-GVGD: "Class C0"). In summary, the available evidence is currently insufficient to determine the role of this variant in disease. Therefore, it has been classified as a Variant of Uncertain Significance.